The following is an entry in ClinVar:

NM_001098.3(ACO2):c.1253C>T (p.Pro418Leu)

Gene: ACO2 (aconitase 2; plus strand). Cytogenetic location: 22q13.2.
Variant type: single nucleotide variant.
Coding change: c.1253C>T on transcript NM_001098.3 (MANE Select); coding-DNA position 1253, C replaced by T.
Protein change: p.Pro418Leu; replaces proline 418 with leucine.
Molecular consequence: missense variant.
Genome position (GRCh38, 1-based): chr22:41,522,944, C>T. VCF-style: chr22-41522944-C-T. GRCh37 (hg19) VCF-style: chr22-41918948-C-T.
Other names: short protein forms P418L.
Identifiers: ClinVar variation 1804919 (VCV001804919.1), dbSNP rs2518229783, ClinGen allele CA411725052.

ClinVar aggregate classification (germline): Uncertain significance (1 of 4 stars; one submission).

Conditions:
Infantile cerebellar-retinal degeneration (ICRD). Identifiers: Orphanet 313850, MedGen C3281192, MONDO:0013802, OMIM 614559.

Submission:

Victorian Clinical Genetics Services, Murdoch Childrens Research Institute
Classification: Uncertain significance for Infantile cerebellar-retinal degeneration. Last evaluated: 2021-05-06. Review status: criteria provided, single submitter. Criteria: ACMG Guidelines, 2015. Collection method: clinical testing. Allele origin: germline. Inheritance: Autosomal recessive inheritance.
Comment: Based on the classification scheme VCGS_Germline_v1.3.4, this variant is classified as VUS-3A. Following criteria are met: 0102 - Loss of function is a known mechanism of disease in this gene and is associated with infantile cerebellar-retinal degeneration (MIM#614559). (I) 0106 - This gene is associated with autosomal recessive disease. (I) 0200 - Variant is predicted to result in a missense amino acid change from proline to leucine. (I) 0252 - This variant is homozygous. (I) 0301 - Variant is absent from gnomAD (both v2 and v3). (SP) 0501 - Missense variant consistently predicted to be damaging by multiple in silico tools or highly conserved with a major amino acid change. (SP) 0600 - Variant is located in the annotated catalytic domain (PMID: 32519519). (I) 0705 - No comparable missense variants have previous evidence for pathogenicity. (I) 0807 - This variant has no previous evidence of pathogenicity. (I) 0905 - No published segregation evidence has been identified for this variant. (I) 1007 - No published functional evidence has been identified for this variant. (I) Legend: (SP) - Supporting pathogenic, (I) - Information, (SB) - Supporting benign

Literature cited by the submitters: PubMed 32519519.